The following is an entry in ClinVar:

ClinVar aggregate classification (germline): Uncertain significance. Review status: criteria provided, multiple submitters, no conflicts (2 of 4 stars). 2 submissions from 2 submitters: Uncertain significance (2). Last evaluated 2025-08-22.

Conditions:
Pitt-Hopkins-like syndrome 2 (PTHSL2). Identifiers: Orphanet 221150, Orphanet 600663, MedGen C3280479, MONDO:0013690, OMIM 614325.

Allele frequency attached by ClinVar (database versions not stated): gnomAD exomes below 0.00001; ExAC 0.00001.
gnomAD v4.1: 7 of 1,613,986 alleles (0.00043%); highest among the groups gnomAD compares: Middle Eastern, 0.016%; no homozygotes.

Submissions (2):

Labcorp Genetics (formerly Invitae), Labcorp
Classification: Uncertain significance for Pitt-Hopkins-like syndrome 2. Last evaluated: 2025-08-22. Review status: criteria provided, single submitter. Criteria: Invitae Variant Classification Sherloc (09022015). Collection method: clinical testing. Allele origin: germline.
Comment: This sequence change replaces threonine, which is neutral and polar, with alanine, which is neutral and non-polar, at codon 705 of the NRXN1 protein (p.Thr705Ala). This variant is present in population databases (rs752412228, gnomAD 0.002%). This variant has not been reported in the literature in individuals affected with NRXN1-related conditions. ClinVar contains an entry for this variant (Variation ID: 2163815). An algorithm developed to predict the effect of missense changes on protein structure and function (PolyPhen-2) suggests that this variant is likely to be tolerated. In summary, the available evidence is currently insufficient to determine the role of this variant in disease. Therefore, it has been classified as a Variant of Uncertain Significance.

Revvity Omics, Revvity
Classification: Uncertain significance for Pitt-Hopkins-like syndrome 2. Last evaluated: 2023-11-15. Review status: criteria provided, single submitter. Criteria: ACMG Guidelines, 2015. Collection method: clinical testing. Allele origin: germline.

NM_001330078.2(NRXN1):c.1993A>G (p.Thr665Ala)

Gene: NRXN1 (neurexin 1; minus strand). Cytogenetic location: 2p16.3.
Variant type: single nucleotide variant.
Coding change: c.1993A>G on transcript NM_001330078.2 (MANE Select); coding-DNA position 1993, A replaced by G.
Protein change: p.Thr665Ala; replaces threonine 665 with alanine.
Molecular consequence: missense variant.
Genome position (GRCh38, 1-based): chr2:50,538,403, T>C on the plus strand (A>G on the coding strand, the complement: NRXN1 is on the minus strand). VCF-style: chr2-50538403-T-C. GRCh37 (hg19) VCF-style: chr2-50765541-T-C.
Other names: c.2113A>G (NM_001135659.1, NM_001135659.2); c.2113A>G, p.Thr705Ala (NM_001135659.3); c.1969A>G, p.Thr657Ala (NM_001330077.2, NM_001330082.2, NM_001330095.2); c.1954A>G, p.Thr652Ala (NM_001330083.2, NM_001330084.2); c.1993A>G, p.Thr665Ala (NM_001330085.2, NM_001330086.2, NM_004801.6); c.1909A>G, p.Thr637Ala (NM_001330087.2, NM_001330096.2); c.1939A>G, p.Thr647Ala (NM_001330088.2); c.1990A>G, p.Thr664Ala (NM_001330093.2); and 1 more; short protein forms T637A, T657A, T665A, T652A, T705A, T664A, T647A, T661A.
Identifiers: ClinVar variation 2163815 (VCV002163815.6), dbSNP rs752412228, ClinGen allele CA1654946.